The following is an entry in ClinVar:

ClinVar aggregate classification (germline): Pathogenic/Likely pathogenic. Review status: criteria provided, multiple submitters, no conflicts (2 of 4 stars). 5 submissions from 5 submitters: Pathogenic (3); Likely pathogenic (2). Last evaluated 2025-09-16.

Conditions:
Usher syndrome type 2A. Also called: RETINAL DISEASE IN USHER SYNDROME TYPE IIA, MODIFIER OF; USHER SYNDROME, TYPE IIA. Identifiers: Orphanet 231178, Orphanet 886, MedGen C1848634, MONDO:0010169, OMIM 276901.
Retinitis pigmentosa 39 (RP39). Identifiers: Orphanet 791, MedGen C3151138, MONDO:0013436, OMIM 613809.

Allele frequency attached by ClinVar (database versions not stated): TOPMed below 0.00001.
gnomAD v4.1: 1 of 1,614,180 alleles (0.000062%); highest among the groups gnomAD compares: African/African-American, 0.0013%; no homozygotes.

Submissions (5):

Natera, Inc.
Classification: Likely pathogenic for Usher syndrome type 2A. Last evaluated: 2025-09-16. Review status: criteria provided, single submitter. Criteria: Natera Variant Classification Schema (03/2026). Collection method: clinical testing. Allele origin: germline.
Comment: The c.8083A>T variant in USH2A is a nonsense variant predicted to introduce a stop codon at amino acid 2695. This variant is expected to result in nonsense mediated decay, truncation, or a dysfunctional protein product. This variant is rare in the general population with a frequency below the threshold expected for the associated phenotype(s). Given the available evidence, this variant is classified as Likely Pathogenic.

Labcorp Genetics (formerly Invitae), Labcorp
Classification: Pathogenic. Last evaluated: 2025-09-04. Review status: criteria provided, single submitter. Criteria: Invitae Variant Classification Sherloc (09022015). Collection method: clinical testing. Allele origin: germline.
Comment: This sequence change creates a premature translational stop signal (p.Lys2695*) in the USH2A gene. It is expected to result in an absent or disrupted protein product. Loss-of-function variants in USH2A are known to be pathogenic (PMID: 10729113, 10909849, 20507924, 25649381). This variant is not present in population databases (gnomAD no frequency). This variant has not been reported in the literature in individuals affected with USH2A-related conditions. ClinVar contains an entry for this variant (Variation ID: 1192143). For these reasons, this variant has been classified as Pathogenic.

Baylor Genetics
Classification: Likely pathogenic for Retinitis pigmentosa 39. Last evaluated: 2024-01-13. Review status: criteria provided, single submitter. Criteria: ACMG Guidelines, 2015. Collection method: clinical testing. Allele origin: unknown.

Genome-Nilou Lab
Classification: Pathogenic for Retinitis pigmentosa 39. Last evaluated: 2023-11-04. Review status: criteria provided, single submitter. Criteria: ACMG Guidelines, 2015. Collection method: clinical testing. Allele origin: germline. Affected: no.

GeneDx
Classification: Pathogenic. Last evaluated: 2019-08-20. Review status: criteria provided, single submitter. Criteria: GeneDx Variant Classification Process June 2021. Collection method: clinical testing. Allele origin: germline. Affected: yes.
Comment: Nonsense variant predicted to result in protein truncation or nonsense mediated decay in a gene for which loss-of-function is a known mechanism of disease; Not observed in large population cohorts (Lek et al., 2016)

Literature cited by the submitters: PubMed 10729113 (cited by Labcorp Genetics (formerly Invitae), Labcorp); PubMed 10909849 (cited by Labcorp Genetics (formerly Invitae), Labcorp); PubMed 20507924 (cited by Labcorp Genetics (formerly Invitae), Labcorp); PubMed 25649381 (cited by Labcorp Genetics (formerly Invitae), Labcorp).

NM_206933.4(USH2A):c.8083A>T (p.Lys2695Ter)

Gene: USH2A (usherin; minus strand). Cytogenetic location: 1q41.
Variant type: single nucleotide variant.
Coding change: c.8083A>T on transcript NM_206933.4 (MANE Select); coding-DNA position 8083, A replaced by T.
Protein change: p.Lys2695Ter; replaces lysine 2695 with a stop codon.
Molecular consequence: nonsense.
Genome position (GRCh38, 1-based): chr1:215,888,566, T>A on the plus strand (A>T on the coding strand, the complement: USH2A is on the minus strand). VCF-style: chr1-215888566-T-A. GRCh37 (hg19) VCF-style: chr1-216061908-T-A.
Other names: short protein forms K2695*.
Identifiers: ClinVar variation 1192143 (VCV001192143.11), dbSNP rs775921966, ClinGen allele CA344838936.
Genomic context (GRCh38, chr1:215,888,566, plus strand): 5'-CCCAAGCACTGCTGTTTGTGCCTCCATGAAGAGTGCTCATCAGTACCCGATATTCATATT[T>A]TGTCCATGGGCTAAGAGCAGAAGTCTTGTCAATAAACCTCATGGAATGACTCCTCGGGAG-3'